The following is an entry in ClinVar:

NM_004385.5(VCAN):c.8618A>G (p.Glu2873Gly)

Genes: VCAN (versican; plus strand), VCAN-AS1 (VCAN antisense RNA 1; minus strand). Cytogenetic location: 5q14.3.
Variant type: single nucleotide variant.
Coding change: c.8618A>G on transcript NM_004385.5 (MANE Select); coding-DNA position 8618, A replaced by G.
Protein change: p.Glu2873Gly; replaces glutamic acid 2873 with glycine.
Molecular consequence: missense variant. On other transcripts: intron variant (2).
Genome position (GRCh38, 1-based): chr5:83,541,621, A>G. VCF-style: chr5-83541621-A-G. GRCh37 (hg19) VCF-style: chr5-82837440-A-G.
Other names: c.5657A>G, p.Glu1886Gly (NM_001164097.2); c.4004-3916A>G (NM_001164098.2); c.1043-3916A>G (NM_001126336.3); short protein forms E1886G, E2873G.
Identifiers: ClinVar variation 2121147 (VCV002121147.4), dbSNP rs2479124223, ClinGen allele CA360293802.

ClinVar aggregate classification (germline): Uncertain significance (1 of 4 stars; one submission).

Submission:

Labcorp Genetics (formerly Invitae), Labcorp
Classification: Uncertain significance. Last evaluated: 2022-04-04. Review status: criteria provided, single submitter. Criteria: Invitae Variant Classification Sherloc (09022015). Collection method: clinical testing. Allele origin: germline.
Comment: This sequence change replaces glutamic acid, which is acidic and polar, with glycine, which is neutral and non-polar, at codon 2873 of the VCAN protein (p.Glu2873Gly). This variant is not present in population databases (gnomAD no frequency). This variant has not been reported in the literature in individuals affected with VCAN-related conditions. Algorithms developed to predict the effect of missense changes on protein structure and function are either unavailable or do not agree on the potential impact of this missense change (SIFT: "Deleterious"; PolyPhen-2: "Possibly Damaging"; Align-GVGD: "Class C0"). In summary, the available evidence is currently insufficient to determine the role of this variant in disease. Therefore, it has been classified as a Variant of Uncertain Significance.